The following is an entry in ClinVar:

ClinVar aggregate classification (germline): Uncertain significance. Review status: criteria provided, multiple submitters, no conflicts (2 of 4 stars). 2 submissions from 2 submitters: Uncertain significance (2). Last evaluated 2024-10-09.

Conditions:
Mitochondrial complex II deficiency, nuclear type 1. Also called: SUCCINATE CoQ REDUCTASE DEFICIENCY. Identifiers: Orphanet 3208, MedGen C5700310, MONDO:0100294, OMIM 252011.
Pheochromocytoma/paraganglioma syndrome 5. Also called: Paragangliomas 5; SDHA-Related Hereditary Paraganglioma-Pheochromocytoma Syndrome. Identifiers: Orphanet 29072, MedGen C3279992, MONDO:0013602, OMIM 614165.

Allele frequency attached by ClinVar (database versions not stated): gnomAD exomes below 0.00001; TOPMed below 0.00001.

Submissions (2):

Blueprint Genetics
Classification: Uncertain significance. Last evaluated: 2024-10-09. Review status: criteria provided, single submitter. Criteria: ACMG Guidelines, 2015. Collection method: clinical testing. Allele origin: germline.

Labcorp Genetics (formerly Invitae), Labcorp
Classification: Uncertain significance for Pheochromocytoma/paraganglioma syndrome 5; Mitochondrial complex II deficiency, nuclear type 1. Last evaluated: 2022-10-03. Review status: criteria provided, single submitter. Criteria: Invitae Variant Classification Sherloc (09022015). Collection method: clinical testing. Allele origin: germline.
Comment: In summary, the available evidence is currently insufficient to determine the role of this variant in disease. Therefore, it has been classified as a Variant of Uncertain Significance. This sequence change replaces valine, which is neutral and non-polar, with alanine, which is neutral and non-polar, at codon 65 of the SDHA protein (p.Val65Ala). This variant is not present in population databases (gnomAD no frequency). This variant has not been reported in the literature in individuals affected with SDHA-related conditions. Advanced modeling of protein sequence and biophysical properties (such as structural, functional, and spatial information, amino acid conservation, physicochemical variation, residue mobility, and thermodynamic stability) performed at Invitae indicates that this missense variant is not expected to disrupt SDHA protein function.

NM_004168.4(SDHA):c.194T>C (p.Val65Ala)

Gene: SDHA (succinate dehydrogenase complex flavoprotein subunit A; plus strand). Cytogenetic location: 5p15.33.
Variant type: single nucleotide variant.
Coding change: c.194T>C on transcript NM_004168.4 (MANE Select); coding-DNA position 194, T replaced by C.
Protein change: p.Val65Ala; replaces valine 65 with alanine.
Molecular consequence: missense variant.
Genome position (GRCh38, 1-based): chr5:224,403, T>C. VCF-style: chr5-224403-T-C. GRCh37 (hg19) VCF-style: chr5-224518-T-C.
Other names: c.194T>C, p.Val65Ala (NM_001294332.2, NM_001330758.2); short protein forms V65A.
Identifiers: ClinVar variation 1720874 (VCV001720874.7), dbSNP rs1734885227, ClinGen allele CA359008464.
Genomic context (GRCh38, chr5:224,403, plus strand): 5'-GAATTTTTCTTTTCCAGATTTCTGCTCAGTATCCAGTAGTGGATCATGAATTTGATGCAG[T>C]GGTGGTAGGCGCTGGAGGGGCAGGCTTGCGAGCTGCATTTGGCCTTTCTGAGGCAGGGTT-3'
Protein context (NP_004159.2, residues 55-75): YPVVDHEFDA[Val65Ala]VVGAGGAGLR